The following is an entry in ClinVar:

NM_000548.5(TSC2):c.3559dup (p.Val1187fs)

Gene: TSC2 (TSC complex subunit 2; plus strand). Cytogenetic location: 16p13.3.
Variant type: Duplication.
Coding change: c.3559dup on transcript NM_000548.5 (MANE Select); coding-DNA position 3559, one base duplicated (G; older notation c.3559dupG).
Protein change: p.Val1187fs; shifts the reading frame from valine 1187.
Molecular consequence: frameshift variant.
Genome position (GRCh38, 1-based): chr16:2,080,326, G duplicated. VCF-style (leftmost placement, unchanged base first): chr16-2080325-T-TG. GRCh37 (hg19) VCF-style: chr16-2130326-T-TG.
Other names: c.3427dup, p.Val1143fs (NM_001077183.3, NM_001370404.1); c.3559dup, p.Val1187fs (NM_001114382.3); c.3319dup, p.Val1107fs (NM_001318827.2); c.3283dup, p.Val1095fs (NM_001318829.2); c.2827dup, p.Val943fs (NM_001318831.2); c.3460dup, p.Val1154fs (NM_001318832.2); c.3430dup, p.Val1144fs (NM_001363528.2, NM_001370405.1, NM_021055.3); c.3556dup, p.Val1186Glyfs (NM_001406663.1, NM_001406664.1); and 20 more; short protein forms V1187fs, V1095fs, V1107fs, V943fs, V1154fs, V1143fs, V1144fs.
Identifiers: ClinVar variation 2024459 (VCV002024459.4), dbSNP rs2544103037, ClinGen allele CA2580091000.
Genomic context (GRCh38, chr16:2,080,325, plus strand): 5'-TGAGAAGGCCTCAGCTGGCACCCGGGTTCCTGTGCAGGAGAAGACGAACCTGGCGGCCTA[T>TG]GTGCCCCTGCTGACCCAGGGCTGGGCGGAGATCCTGGTCCGGAGGCCCACAGGTACTGGG-3'

ClinVar aggregate classification (germline): Pathogenic (1 of 4 stars; one submission).

Conditions:
Tuberous sclerosis 2 (TSC2). Identifiers: Orphanet 805, MedGen C1860707, MONDO:0013199, OMIM 613254.

Submission:

Labcorp Genetics (formerly Invitae), Labcorp
Classification: Pathogenic for Tuberous sclerosis 2. Last evaluated: 2022-08-17. Review status: criteria provided, single submitter. Criteria: Invitae Variant Classification Sherloc (09022015). Collection method: clinical testing. Allele origin: germline.
Comment: This variant has not been reported in the literature in individuals affected with TSC2-related conditions. For these reasons, this variant has been classified as Pathogenic. This variant is not present in population databases (gnomAD no frequency). This sequence change creates a premature translational stop signal (p.Val1187Glyfs*47) in the TSC2 gene. It is expected to result in an absent or disrupted protein product. Loss-of-function variants in TSC2 are known to be pathogenic (PMID: 10205261, 17304050).

Literature cited by the submitters: PubMed 10205261; PubMed 17304050.